The following is an entry in ClinVar:

ClinVar aggregate classification (germline): Pathogenic. Review status: no assertion criteria provided (0 of 4 stars). 2 submissions from 2 submitters: Pathogenic (2). Last evaluated 2012-01-22.

Conditions:
Pseudohypoaldosteronism type 2E (PHA2E). Also called: Pseudohypoaldosteronism Type IIE. Identifiers: Orphanet 300530, Orphanet 757, MedGen C3469606, MONDO:0013782, OMIM 614496.
Pseudohypoaldosteronism type 2A (PHA2A). Also called: GORDON HYPERKALEMIA-HYPERTENSION SYNDROME; HYPERTENSIVE HYPERKALEMIA, FAMILIAL. Identifiers: Orphanet 757, Orphanet 88938, MedGen C1840389, MONDO:0007772, OMIM 145260.

Submissions (2):

OMIM
Classification: Pathogenic for PSEUDOHYPOALDOSTERONISM, TYPE IIE. Last evaluated: 2012-01-22. Review status: no assertion criteria provided. Collection method: literature only. Allele origin: germline.

Richard Lifton Laboratory, Yale University School of Medicine
Classification: Pathogenic for Pseudohypoaldosteronism, type 2. Review status: no assertion criteria provided. Collection method: not provided. Allele origin: germline.
Comment: dominant;observed de novo;intron 8 splice acceptor polypyrimidine tract
ClinVar note: Converted during submission from pathogenic to Pathogenic.

Literature cited by the submitters: PubMed 22266938 (cited by OMIM).

NM_003590.5(CUL3):c.1207-5T>A

Gene: CUL3 (cullin 3; minus strand). Cytogenetic location: 2q36.2.
Variant type: single nucleotide variant.
Coding change: c.1207-5T>A on transcript NM_003590.5 (MANE Select); 5 bases into the intron before coding-DNA position 1207, T replaced by A.
Molecular consequence: intron variant.
Genome position (GRCh38, 1-based): chr2:224,503,827, A>T on the plus strand (T>A on the coding strand, the complement: CUL3 is on the minus strand). VCF-style: chr2-224503827-A-T. GRCh37 (hg19) VCF-style: chr2-225368544-A-T.
Other names: EX9_t(-5)a; IVS8, T-A, -5; c.1009-5T>A (NM_001257197.2); c.1225-5T>A (NM_001257198.2).
Identifiers: ClinVar variation 100520 (VCV000100520.3), dbSNP rs199469652, ClinGen allele CA269959.